The following is an entry in ClinVar:

ClinVar aggregate classification (germline): Uncertain significance. Review status: criteria provided, multiple submitters, no conflicts (2 of 4 stars). 4 submissions from 4 submitters: Uncertain significance (4). Last evaluated 2025-04-09.

Conditions:
PRKDC-related disorder. Also called: PRKDC-related condition.
Severe combined immunodeficiency due to DNA-PKcs deficiency. Also called: IMMUNODEFICIENCY 26 WITH NEUROLOGIC ABNORMALITIES; Immunodeficiency 26 with or without neurologic abnormalities. Identifiers: Orphanet 317425, MedGen C4014833, MONDO:0014423, OMIM 615966.

Allele frequency attached by ClinVar (database versions not stated): ExAC 0.00003; gnomAD 0.00004; ESP Exome Variant Server 0.00008; gnomAD exomes 0.00011.
gnomAD v4.1: 170 of 1,613,554 alleles (0.011%); highest among the groups gnomAD compares: Non-Finnish European, 0.013%; no homozygotes.

Submissions (4):

PreventionGenetics, part of Exact Sciences
Classification: Uncertain significance for PRKDC-related condition. Last evaluated: 2025-04-09. Review status: criteria provided, single submitter. Criteria: ACMG Guidelines, 2015. Collection method: clinical testing. Allele origin: germline.
Comment: The PRKDC c.2985C>A variant is predicted to result in the amino acid substitution p.Phe995Leu. To our knowledge, this variant has not been reported in the literature. This variant is reported in 0.0070% of alleles in individuals of European (Non-Finnish) descent in gnomAD. At this time, the clinical significance of this variant is uncertain due to the absence of conclusive functional and genetic evidence.

Blueprint Genetics
Classification: Uncertain significance. Last evaluated: 2024-04-11. Review status: criteria provided, single submitter. Criteria: ACMG Guidelines, 2015. Collection method: clinical testing. Allele origin: germline.

Ambry Genetics
Classification: Uncertain significance. Last evaluated: 2024-03-01. Review status: criteria provided, single submitter. Criteria: Ambry Variant Classification Scheme 2023. Collection method: clinical testing. Allele origin: germline.

Labcorp Genetics (formerly Invitae), Labcorp
Classification: Uncertain significance for Severe combined immunodeficiency due to DNA-PKcs deficiency. Last evaluated: 2022-04-11. Review status: criteria provided, single submitter. Criteria: Invitae Variant Classification Sherloc (09022015). Collection method: clinical testing. Allele origin: germline.
Comment: This sequence change replaces phenylalanine, which is neutral and non-polar, with leucine, which is neutral and non-polar, at codon 995 of the PRKDC protein (p.Phe995Leu). This variant is present in population databases (rs375302793, gnomAD 0.007%). This variant has not been reported in the literature in individuals affected with PRKDC-related conditions. Experimental studies and prediction algorithms are not available or were not evaluated, and the functional significance of this variant is currently unknown. In summary, the available evidence is currently insufficient to determine the role of this variant in disease. Therefore, it has been classified as a Variant of Uncertain Significance.

NM_006904.7(PRKDC):c.2985C>A (p.Phe995Leu)

Gene: PRKDC (protein kinase, DNA-activated, catalytic subunit; minus strand). Cytogenetic location: 8q11.21.
Variant type: single nucleotide variant.
Coding change: c.2985C>A on transcript NM_006904.7 (MANE Select); coding-DNA position 2985, C replaced by A.
Protein change: p.Phe995Leu; replaces phenylalanine 995 with leucine.
Molecular consequence: missense variant.
Genome position (GRCh38, 1-based): chr8:47,904,926, G>T on the plus strand (C>A on the coding strand, the complement: PRKDC is on the minus strand). VCF-style: chr8-47904926-G-T. GRCh37 (hg19) VCF-style: chr8-48817486-G-T.
Other names: c.2985C>A, p.Phe995Leu (NM_001081640.2); short protein forms F995L.
Identifiers: ClinVar variation 2082263 (VCV002082263.6), dbSNP rs375302793, ClinGen allele CA4741304.